The following is an entry in ClinVar:

NM_001379500.1(COL18A1):c.2143G>A (p.Val715Met)

Gene: COL18A1 (collagen type XVIII alpha 1 chain; plus strand). Cytogenetic location: 21q22.3.
Variant type: single nucleotide variant.
Coding change: c.2143G>A on transcript NM_001379500.1 (MANE Select); coding-DNA position 2143, G replaced by A.
Protein change: p.Val715Met; replaces valine 715 with methionine.
Molecular consequence: missense variant.
Genome position (GRCh38, 1-based): chr21:45,491,300, G>A. VCF-style: chr21-45491300-G-A. GRCh37 (hg19) VCF-style: chr21-46911214-G-A.
Other names: NM_130445.2:c.2143G>A; c.3388G>A, p.Val1130Met (NM_130444.3); c.2683G>A, p.Val895Met (NM_030582.4); short protein forms V1130M, V895M, V715M.
Identifiers: ClinVar variation 1446559 (VCV001446559.5), dbSNP rs372801767, ClinGen allele CA10066826.

ClinVar aggregate classification (germline): Uncertain significance. Review status: criteria provided, multiple submitters, no conflicts (2 of 4 stars). 2 submissions from 2 submitters: Uncertain significance (2). Last evaluated 2023-10-02.

Conditions:
Inborn genetic diseases. Identifiers: MedGen C0950123, MeSH D030342.

Allele frequency attached by ClinVar (database versions not stated): TOPMed 0.00002; gnomAD 0.00003 and 0.00004; gnomAD exomes 0.00004; ExAC 0.00008; ESP Exome Variant Server 0.00008.
gnomAD v4.1: 58 of 1,611,730 alleles (0.0036%); highest among the groups gnomAD compares: South Asian, 0.0088%; 1 homozygote.

Submissions (2):

Ambry Genetics
Classification: Uncertain significance for Inborn genetic diseases. Last evaluated: 2023-10-02. Review status: criteria provided, single submitter. Criteria: Ambry Variant Classification Scheme 2023. Collection method: clinical testing. Allele origin: germline.

Labcorp Genetics (formerly Invitae), Labcorp
Classification: Uncertain significance. Last evaluated: 2022-08-16. Review status: criteria provided, single submitter. Criteria: Invitae Variant Classification Sherloc (09022015). Collection method: clinical testing. Allele origin: germline.
Comment: This sequence change replaces valine, which is neutral and non-polar, with methionine, which is neutral and non-polar, at codon 715 of the COL18A1 protein (p.Val715Met). This variant is present in population databases (rs372801767, gnomAD 0.01%), including at least one homozygous and/or hemizygous individual. This variant has not been reported in the literature in individuals affected with COL18A1-related conditions. ClinVar contains an entry for this variant (Variation ID: 1446559). Experimental studies and prediction algorithms are not available or were not evaluated, and the functional significance of this variant is currently unknown. In summary, the available evidence is currently insufficient to determine the role of this variant in disease. Therefore, it has been classified as a Variant of Uncertain Significance.